The following is an entry in ClinVar:

ClinVar aggregate classification (germline): Uncertain significance (1 of 4 stars; one submission).

Allele frequency attached by ClinVar (database versions not stated): gnomAD 0.00002; gnomAD exomes 0.00002.
gnomAD v4.1: 30 of 1,614,076 alleles (0.0019%); highest among the groups gnomAD compares: Middle Eastern, 0.066%; no homozygotes.

Submission:

GeneDx
Classification: Uncertain significance. Last evaluated: 2020-10-05. Review status: criteria provided, single submitter. Criteria: GeneDx Variant Classification Process June 2021. Collection method: clinical testing. Allele origin: germline. Affected: yes.
Comment: In silico analysis, which includes protein predictors and evolutionary conservation, supports a deleterious effect; Has not been previously published as pathogenic or benign to our knowledge

NM_004086.3(COCH):c.1247G>A (p.Arg416His)

Genes: COCH (cochlin; plus strand), LOC100506071 (uncharacterized LOC100506071; minus strand). Cytogenetic location: 14q12.
Variant type: single nucleotide variant.
Coding change: c.1247G>A on transcript NM_004086.3 (MANE Select); coding-DNA position 1247, G replaced by A.
Protein change: p.Arg416His; replaces arginine 416 with histidine.
Molecular consequence: missense variant. On other transcripts: non-coding transcript variant (1).
Genome position (GRCh38, 1-based): chr14:30,886,082, G>A. VCF-style: chr14-30886082-G-A. GRCh37 (hg19) VCF-style: chr14-31355288-G-A.
Other names: c.1247G>A, p.Arg416His (NM_001135058.2); c.1442G>A, p.Arg481His (NM_001347720.2); short protein forms R416H, R481H.
Identifiers: ClinVar variation 1305492 (VCV001305492.2), dbSNP rs772383772, ClinGen allele CA258541191.
Genomic context (GRCh38, chr14:30,886,082, plus strand): 5'-CTTTTGAAATCTCGGACATTGGTGCCAAGATAGCTGCTGTACAGTTTACTTATGATCAGC[G>A]CACGGAGTTCAGTTTCACTGACTATAGCACCAAAGAGAATGTCCTAGCTGTCATCAGAAA-3'
Protein context (NP_004077.1, residues 406-426): IAAVQFTYDQ[Arg416His]TEFSFTDYST